The following is an entry in ClinVar:

ClinVar aggregate classification (germline): Benign (0 of 4 stars; one submission).

Conditions:
CDS1-related disorder. Also called: CDS1-related condition.

Allele frequency attached by ClinVar (database versions not stated): gnomAD exomes 0.00020; ExAC 0.00055; ESP Exome Variant Server 0.00177; gnomAD 0.00215; TOPMed 0.00250; 1000 Genomes Project 30x 0.00297; 1000 Genomes Project 0.00319.
gnomAD v4.1: 650 of 1,613,244 alleles (0.04%); highest among the groups gnomAD compares: African/African-American, 0.73%; 2 homozygotes.

Submission:

PreventionGenetics, part of Exact Sciences
Classification: Benign for CDS1-related condition. Last evaluated: 2019-10-28. Review status: no assertion criteria provided. Collection method: clinical testing. Allele origin: germline.
Comment: This variant is classified as benign based on ACMG/AMP sequence variant interpretation guidelines (Richards et al. 2015 PMID: 25741868, with internal and published modifications).

NM_001263.4(CDS1):c.1271G>A (p.Ser424Asn)

Gene: CDS1 (CDP-diacylglycerol synthase 1; plus strand). Cytogenetic location: 4q21.23.
Variant type: single nucleotide variant.
Coding change: c.1271G>A on transcript NM_001263.4 (MANE Select); coding-DNA position 1271, G replaced by A.
Protein change: p.Ser424Asn; replaces serine 424 with asparagine.
Molecular consequence: missense variant.
Genome position (GRCh38, 1-based): chr4:84,648,571, G>A. VCF-style: chr4-84648571-G-A. GRCh37 (hg19) VCF-style: chr4-85569724-G-A.
Other names: short protein forms S424N.
Identifiers: ClinVar variation 3045809 (VCV003045809.2), dbSNP rs148659910, ClinGen allele CA2991864.